The following is an entry in ClinVar:

NM_020458.4(TTC7A):c.1250G>A (p.Trp417Ter)

Gene: TTC7A (tetratricopeptide repeat domain 7A; plus strand). Cytogenetic location: 2p21.
Variant type: single nucleotide variant.
Coding change: c.1250G>A on transcript NM_020458.4 (MANE Select); coding-DNA position 1250, G replaced by A.
Protein change: p.Trp417Ter; replaces tryptophan 417 with a stop codon.
Molecular consequence: nonsense.
Genome position (GRCh38, 1-based): chr2:47,006,687, G>A. VCF-style: chr2-47006687-G-A. GRCh37 (hg19) VCF-style: chr2-47233826-G-A.
Other names: c.1250G>A, p.Trp417Ter (LRG_1323t1, NM_001288951.2); c.1148G>A, p.Trp383Ter (NM_001288953.2); c.188G>A, p.Trp63Ter (NM_001288955.2); short protein forms W417*, W383*, W63*.
Identifiers: ClinVar variation 578081 (VCV000578081.7), dbSNP rs1558568116, ClinGen allele CA346714456.

ClinVar aggregate classification (germline): Pathogenic/Likely pathogenic. Review status: criteria provided, multiple submitters, no conflicts (2 of 4 stars). 2 submissions from 2 submitters: Pathogenic (1); Likely pathogenic (1). Last evaluated 2018-10-02.

Conditions:
Multiple gastrointestinal atresias. Also called: Multiple intestinal atresia; FAMILIAL INTESTINAL POLYATRESIA SYNDROME. Identifiers: Orphanet 2300, MedGen C0220744, MONDO:0009465.

Submissions (2):

GeneDx
Classification: Likely pathogenic. Last evaluated: 2018-10-02. Review status: criteria provided, single submitter. Criteria: GeneDx Variant Classification (06012015). Collection method: clinical testing. Allele origin: germline. Affected: yes.
Comment: The W417X variant in the TTC7A gene has not been reported previously as a pathogenic variant nor as a benign variant, to our knowledge. This variant is predicted to cause loss of normal protein function either through protein truncation or nonsense-mediated mRNA decay. The W417X variant is not observed in large population cohorts (Lek et al., 2016). We interpret W417X as a likely pathogenic variant.

Labcorp Genetics (formerly Invitae), Labcorp
Classification: Pathogenic for Multiple gastrointestinal atresias. Last evaluated: 2018-06-06. Review status: criteria provided, single submitter. Criteria: Invitae Variant Classification Sherloc (09022015). Collection method: clinical testing. Allele origin: germline.
Comment: This variant is not present in population databases (ExAC no frequency). For these reasons, this variant has been classified as Pathogenic. Loss-of-function variants in TTC7A are known to be pathogenic (PMID: 23830146, 24292712). This variant has not been reported in the literature in individuals with TTC7A-related disease. This sequence change creates a premature translational stop signal (p.Trp417*) in the TTC7A gene. It is expected to result in an absent or disrupted protein product.

Literature cited by the submitters: PubMed 23830146 (cited by Labcorp Genetics (formerly Invitae), Labcorp); PubMed 24292712 (cited by Labcorp Genetics (formerly Invitae), Labcorp).